The following is an entry in ClinVar:

NM_000377.3(WAS):c.1507_1508dup (p.Ter503CysextTer?)

Gene: WAS (WASP actin nucleation promoting factor; plus strand). Cytogenetic location: Xp11.23.
Variant type: Duplication.
Coding change: c.1507_1508dup on transcript NM_000377.3 (MANE Select); coding-DNA positions 1507 to 1508, 2 bases duplicated (TG; older notation c.1507_1508dupTG).
Protein change: p.Ter503CysextTer?.
Molecular consequence: frameshift variant, stop lost.
Genome position (GRCh38, 1-based): chrX:48,691,160-48,691,161, TG duplicated. VCF-style (leftmost placement, unchanged base first): chrX-48691159-C-CTG. GRCh37 (hg19) VCF-style: chrX-48549550-C-CTG.
Identifiers: ClinVar variation 1492521 (VCV001492521.8), dbSNP rs2147268618, ClinGen allele CA2573158944.
Genomic context (GRCh38, chrX:48,691,159, plus strand): 5'-CCCTCCAGACGAAGGGGAGGACCAGGCTGGCGATGAAGATGAAGATGATGAATGGGATGA[C>CTG]TGAGTGGCTGAGTTACTTGCTGCCCTGTGCTCCTCCCCGCAGGACATGGCTCCCCCTCCA-3'

ClinVar aggregate classification (germline): Uncertain significance (1 of 4 stars; one submission).

Conditions:
Thrombocytopenia 1. Also called: X-Linked Thrombocytopenia (XLT); THROMBOCYTOPENIA, X-LINKED, 1; X-linked thrombocytopenia with normal platelets. Identifiers: Orphanet 268322, Orphanet 852, MedGen C1839163, MONDO:0010743, OMIM 313900.
X-linked severe congenital neutropenia (SCNX). Identifiers: Orphanet 86788, MedGen C1845987, MONDO:0010294, OMIM 300299.
Wiskott-Aldrich syndrome (WAS). Also called: WISKOTT-ALDRICH SYNDROME 1; Wiskott-aldrich syndrome, somatic; ALDRICH SYNDROME; IMMUNODEFICIENCY 2. Identifiers: Orphanet 906, MedGen C0043194, MONDO:0010518, OMIM 301000.

Submission:

Labcorp Genetics (formerly Invitae), Labcorp
Classification: Uncertain significance for Wiskott-Aldrich syndrome; X-linked severe congenital neutropenia; Thrombocytopenia 1. Last evaluated: 2020-12-09. Review status: criteria provided, single submitter. Criteria: Invitae Variant Classification Sherloc (09022015). Collection method: clinical testing. Allele origin: germline.
Comment: This variant has not been reported in the literature in individuals with WAS-related conditions. Experimental studies and prediction algorithms are not available or were not evaluated, and the functional significance of this variant is currently unknown. Algorithms developed to predict the effect of sequence changes on RNA splicing suggest that this variant may create or strengthen a splice site, but this prediction has not been confirmed by published transcriptional studies. This variant results in an extension of the WAS protein. Other variant(s) that result in a similarly extended protein product (p.*503Trpext*?) have been observed in individuals with WAS-related conditions (PMID: 8528198). This suggests that these extensions may be clinically significant. In summary, the available evidence is currently insufficient to determine the role of this variant in disease. Therefore, it has been classified as a Variant of Uncertain Significance. This sequence change disrupts the translational stop signal of the WAS mRNA. It is expected to extend the length of the WAS protein by an uncertain number of additional amino acid residues. This variant is not present in population databases (ExAC no frequency).

Literature cited by the submitters: PubMed 8528198.